The following is an entry in ClinVar:

ClinVar aggregate classification (germline): Likely pathogenic (1 of 4 stars; one submission).

Conditions:
CFTR-related disorder (CFTR-RD). Also called: CFTR-related disorders; CFTR-related condition. Identifiers: MedGen C5924204, MONDO:7770004.

Submission:

Natera, Inc.
Classification: Likely pathogenic for CFTR-related disorders. Last evaluated: 2024-04-19. Review status: criteria provided, single submitter. Criteria: Natera Variant Classification Schema (03/2026). Collection method: clinical testing. Allele origin: germline.
Comment: The c.481delT variant in CFTR is a frameshift variant predicted to shift the reading frame beginning at codon 161 and leads to a stop codon 5 codons downstream. This variant is expected to result in nonsense mediated decay, truncation, or a dysfunctional protein product. This variant is rare in the general population with a frequency below the threshold expected for the associated phenotype(s). Given the available evidence, this variant is classified as Likely Pathogenic.

NM_000492.4(CFTR):c.481del (p.Tyr161fs)

Gene: CFTR (CF transmembrane conductance regulator; plus strand). Cytogenetic location: 7q31.2.
Variant type: Deletion.
Coding change: c.481del on transcript NM_000492.4 (MANE Select); coding-DNA position 481, one base deleted (T; older notation c.481delT).
Protein change: p.Tyr161fs; shifts the reading frame from tyrosine 161.
Molecular consequence: frameshift variant.
Genome position (GRCh38, 1-based): chr7:117,531,106, T deleted; the last of 3 consecutive T bases (chr7:117,531,104-117,531,106); deleting any one gives the same sequence. VCF-style (leftmost placement, unchanged base first): chr7-117531103-AT-A. GRCh37 (hg19) VCF-style: chr7-117171157-AT-A.
Other names: short protein forms Y161fs.
Identifiers: ClinVar variation 4818567 (VCV004818567.1).